The following is an entry in ClinVar:

ClinVar aggregate classification (germline): Likely benign. Review status: criteria provided, multiple submitters, no conflicts (2 of 4 stars). 3 submissions from 3 submitters: Likely benign (3). Last evaluated 2026-07-23.

Conditions:
MASTL-related disorder. Also called: MASTL-related condition.
Thrombocytopenia. Identifiers: MedGen C0040034, MeSH D013921, MONDO:0002049, HP:0001873.

Allele frequency attached by ClinVar (database versions not stated): ExAC 0.00002; gnomAD exomes 0.00002 and 0.00003; TOPMed 0.00003; gnomAD 0.00004; ESP Exome Variant Server 0.00015.

Submissions (3):

PreventionGenetics, part of Exact Sciences
Classification: Likely benign for MASTL-related condition. Last evaluated: 2026-07-23. Review status: criteria provided, single submitter. Criteria: ACMG Guidelines, 2015. Collection method: clinical testing. Allele origin: germline.
Comment: This variant is classified as likely benign based on ACMG/AMP sequence variant interpretation guidelines (Richards et al. 2015 PMID: 25741868, with internal and published modifications).

Labcorp Genetics (formerly Invitae), Labcorp
Classification: Likely benign. Last evaluated: 2018-08-08. Review status: criteria provided, single submitter. Criteria: Invitae Variant Classification Sherloc (09022015). Collection method: clinical testing. Allele origin: germline.

Illumina Laboratory Services, Illumina
Classification: Likely benign for Thrombocytopenia. Last evaluated: 2018-01-13. Review status: criteria provided, single submitter. Criteria: ICSL Variant Classification Criteria 13 December 2019. Collection method: clinical testing. Allele origin: germline.
Comment: This variant was observed in the ICSL laboratory as part of a predisposition screen in an ostensibly healthy population. It had not been previously curated by ICSL or reported in the Human Gene Mutation Database (HGMD: prior to June 1st, 2018), and was therefore a candidate for classification through an automated scoring system. Utilizing variant allele frequency, disease prevalence and penetrance estimates, and inheritance mode, an automated score was calculated to assess if this variant is too frequent to cause the disease. Based on the score and internal cut-off values, a variant classified as likely benign is not then subjected to further curation. The score for this variant resulted in a classification of likely benign for this disease.

NM_001172303.3(MASTL):c.2245C>T (p.Leu749=)

Gene: MASTL (microtubule associated serine/threonine kinase like; plus strand). Cytogenetic location: 10p12.1.
Variant type: single nucleotide variant.
Coding change: c.2245C>T on transcript NM_001172303.3 (MANE Select); coding-DNA position 2245, C replaced by T.
Protein change: p.Leu749=; no amino-acid change (leucine 749 retained).
Molecular consequence: synonymous variant.
Genome position (GRCh38, 1-based): chr10:27,173,238, C>T. VCF-style: chr10-27173238-C-T. GRCh37 (hg19) VCF-style: chr10-27462167-C-T.
Other names: c.2242C>T, p.Leu748= (NM_001172304.3, NM_001320756.2, NM_032844.5); c.2245C>T, p.Leu749= (NM_001320757.2); c.1762C>T, p.Leu588= (NM_001372029.1, NM_001372030.1).
Identifiers: ClinVar variation 299798 (VCV000299798.9), dbSNP rs370730895, ClinGen allele CA5450387.